The following is an entry in ClinVar:

ClinVar aggregate classification (germline): Uncertain significance (1 of 4 stars; one submission).

Conditions:
Pitt-Hopkins-like syndrome 2 (PTHSL2). Identifiers: Orphanet 221150, Orphanet 600663, MedGen C3280479, MONDO:0013690, OMIM 614325.

Submission:

Labcorp Genetics (formerly Invitae), Labcorp
Classification: Uncertain significance for Pitt-Hopkins-like syndrome 2. Last evaluated: 2024-07-02. Review status: criteria provided, single submitter. Criteria: Invitae Variant Classification Sherloc (09022015). Collection method: clinical testing. Allele origin: germline.
Comment: This sequence change replaces glycine, which is neutral and non-polar, with serine, which is neutral and polar, at codon 252 of the NRXN1 protein (p.Gly252Ser). This variant is not present in population databases (gnomAD no frequency). This variant has not been reported in the literature in individuals affected with NRXN1-related conditions. An algorithm developed to predict the effect of missense changes on protein structure and function (PolyPhen-2) suggests that this variant is likely to be disruptive. In summary, the available evidence is currently insufficient to determine the role of this variant in disease. Therefore, it has been classified as a Variant of Uncertain Significance.

NM_001330078.2(NRXN1):c.754G>A (p.Gly252Ser)

Gene: NRXN1 (neurexin 1; minus strand). Cytogenetic location: 2p16.3.
Variant type: single nucleotide variant.
Coding change: c.754G>A on transcript NM_001330078.2 (MANE Select); coding-DNA position 754, G replaced by A.
Protein change: p.Gly252Ser; replaces glycine 252 with serine.
Molecular consequence: missense variant.
Genome position (GRCh38, 1-based): chr2:51,027,520, C>T on the plus strand (G>A on the coding strand, the complement: NRXN1 is on the minus strand). VCF-style: chr2-51027520-C-T. GRCh37 (hg19) VCF-style: chr2-51254658-C-T.
Other names: c.754G>A, p.Gly252Ser (NM_001330079.2, NM_001330081.2, NM_001330082.2 and 15 more transcripts); short protein forms G252S.
Identifiers: ClinVar variation 3644678 (VCV003644678.2).